The following is an entry in ClinVar:

ClinVar aggregate classification (germline): Uncertain significance (1 of 4 stars; one submission).

Conditions:
Naxos disease (NXD). Also called: WOOLLY HAIR, PALMOPLANTAR KERATODERMA, AND CARDIAC ABNORMALITIES; CARDIOMYOPATHY, ARRHYTHMOGENIC RIGHT VENTRICULAR, WITH SKIN, HAIR, AND NAIL ABNORMALITIES; KERATOSIS PALMOPLANTARIS WITH ARRHYTHMOGENIC CARDIOMYOPATHY; MAL DE NAXOS; PALMOPLANTAR KERATODERMA WITH ARRHYTHMOGENIC RIGHT VENTRICULAR CARDIOMYOPATHY AND WOOLLY HAIR. Identifiers: Orphanet 34217, MedGen C1832600, MONDO:0011017, OMIM 601214.
Arrhythmogenic right ventricular dysplasia 12. Also called: ARRHYTHMOGENIC RIGHT VENTRICULAR DYSPLASIA, FAMILIAL, 12. Identifiers: MedGen C1969081, MONDO:0012684, OMIM 611528.

Submission:

Labcorp Genetics (formerly Invitae), Labcorp
Classification: Uncertain significance for Arrhythmogenic right ventricular dysplasia 12; Naxos disease. Last evaluated: 2021-08-27. Review status: criteria provided, single submitter. Criteria: Invitae Variant Classification Sherloc (09022015). Collection method: clinical testing. Allele origin: germline.
Comment: This sequence change replaces isoleucine with valine at codon 652 of the JUP protein (p.Ile652Val). The isoleucine residue is moderately conserved and there is a small physicochemical difference between isoleucine and valine. This variant is not present in population databases (ExAC no frequency). This variant has not been reported in the literature in individuals affected with JUP-related conditions. Algorithms developed to predict the effect of missense changes on protein structure and function output the following: SIFT: "Tolerated"; PolyPhen-2: "Benign"; Align-GVGD: "Class C0". The valine amino acid residue is found in multiple mammalian species, which suggests that this missense change does not adversely affect protein function. In summary, the available evidence is currently insufficient to determine the role of this variant in disease. Therefore, it has been classified as a Variant of Uncertain Significance.

NM_002230.4(JUP):c.1954A>G (p.Ile652Val)

Gene: JUP (junction plakoglobin; minus strand). Cytogenetic location: 17q21.2.
Variant type: single nucleotide variant.
Coding change: c.1954A>G on transcript NM_002230.4 (MANE Select); coding-DNA position 1954, A replaced by G.
Protein change: p.Ile652Val; replaces isoleucine 652 with valine.
Molecular consequence: missense variant.
Genome position (GRCh38, 1-based): chr17:41,757,507, T>C on the plus strand (A>G on the coding strand, the complement: JUP is on the minus strand). VCF-style: chr17-41757507-T-C. GRCh37 (hg19) VCF-style: chr17-39913759-T-C.
Other names: c.1954A>G, p.Ile652Val (NM_001352775.2, NM_001352776.2, NM_001352777.2 and 3 more transcripts); short protein forms I652V.
Identifiers: ClinVar variation 1346666 (VCV001346666.5), dbSNP rs2143419427, ClinGen allele CA399491935.